The following is an entry in ClinVar:

ClinVar aggregate classification (germline): Likely benign (0 of 4 stars; one submission).

Conditions:
TSHZ1-related disorder. Also called: TSHZ1-related condition.

gnomAD v4.1: 112 of 1,614,004 alleles (0.0069%); highest among the groups gnomAD compares: Non-Finnish European, 0.0041%; no homozygotes.

Submission:

PreventionGenetics, part of Exact Sciences
Classification: Likely benign for TSHZ1-related condition. Last evaluated: 2024-08-02. Review status: no assertion criteria provided. Collection method: clinical testing. Allele origin: germline.
Comment: This variant is classified as likely benign based on ACMG/AMP sequence variant interpretation guidelines (Richards et al. 2015 PMID: 25741868, with internal and published modifications).

NM_001308210.2(TSHZ1):c.273T>C (p.Ser91=)

Gene: TSHZ1 (teashirt zinc finger homeobox 1; plus strand). Cytogenetic location: 18q22.3.
Variant type: single nucleotide variant.
Coding change: c.273T>C on transcript NM_001308210.2 (MANE Select); coding-DNA position 273, T replaced by C.
Protein change: p.Ser91=; no amino-acid change (serine 91 retained).
Molecular consequence: synonymous variant.
Genome position (GRCh38, 1-based): chr18:75,285,680, T>C. VCF-style: chr18-75285680-T-C. GRCh37 (hg19) VCF-style: chr18-72997635-T-C.
Other names: c.138T>C, p.Ser46= (NM_005786.6).
Identifiers: ClinVar variation 3354464 (VCV003354464.1).